The following is an entry in ClinVar:

NM_001378454.1(ALMS1):c.12463-6C>G

Gene: ALMS1 (ALMS1 centrosome and basal body associated protein; plus strand). Cytogenetic location: 2p13.1.
Variant type: single nucleotide variant.
Coding change: c.12463-6C>G on transcript NM_001378454.1 (MANE Select); 6 bases into the intron before coding-DNA position 12463, C replaced by G.
Molecular consequence: intron variant.
Genome position (GRCh38, 1-based): chr2:73,609,562, C>G. VCF-style: chr2-73609562-C-G. GRCh37 (hg19) VCF-style: chr2-73836689-C-G.
Other names: c.12463-6C>G (NM_015120.4); c.12466-6C>G (NM_015120.4).
Identifiers: ClinVar variation 4887271 (VCV004887271.1).

ClinVar aggregate classification (germline): Likely benign (1 of 4 stars; one submission).

Submission:

Women's Health and Genetics/Laboratory Corporation of America, LabCorp
Classification: Likely benign. Last evaluated: 2026-06-29. Review status: criteria provided, single submitter. Criteria: LabCorp Variant Classification Summary - May 2015. Collection method: clinical testing. Allele origin: germline.
Comment: Variant summary: ALMS1 c.12460-6C>G alters a nucleotide located at a position not widely known to affect splicing. Consensus agreement among computation tools predict no significant impact on normal splicing. However, these predictions have yet to be confirmed by functional studies. The variant was absent in 249472 control chromosomes. The available data on variant occurrences in the general population are insufficient to allow any conclusion about variant significance. To our knowledge, no occurrence of c.12460-6C>G in individuals affected with ALMS1-related conditions and no experimental evidence demonstrating its impact on protein function have been reported. No submitters have cited clinical-significance assessments for this variant to ClinVar. Based on the evidence outlined above, the variant was classified as likely benign.